The following is an entry in ClinVar:

NM_052988.5(CDK10):c.684A>G (p.Ile228Met)

Gene: CDK10 (cyclin dependent kinase 10; plus strand). Cytogenetic location: 16q24.3.
Variant type: single nucleotide variant.
Coding change: c.684A>G on transcript NM_052988.5 (MANE Select); coding-DNA position 684, A replaced by G.
Protein change: p.Ile228Met; replaces isoleucine 228 with methionine.
Molecular consequence: missense variant. On other transcripts: non-coding transcript variant (2).
Genome position (GRCh38, 1-based): chr16:89,694,680, A>G. VCF-style: chr16-89694680-A-G. GRCh37 (hg19) VCF-style: chr16-89761088-A-G.
Other names: c.471A>G, p.Ile157Met (NM_001098533.3, NM_001160367.2, NM_052987.4); short protein forms I228M, I157M.
Identifiers: ClinVar variation 1033747 (VCV001033747.1), dbSNP rs753881294, ClinGen allele CA8248125.

ClinVar aggregate classification (germline): Uncertain significance (1 of 4 stars; one submission).

Conditions:
Al Kaissi syndrome. Also called: GROWTH RETARDATION, SPINE MALFORMATION, DYSMORPHIC FACIES, AND DEVELOPMENTAL DELAY. Identifiers: MedGen C4540156, MONDO:0044324, OMIM 617694.

Allele frequency attached by ClinVar (database versions not stated): gnomAD 0.00001; gnomAD exomes 0.00002; TOPMed 0.00002; ExAC 0.00006.
gnomAD v4.1: 7 of 1,589,536 alleles (0.00044%); highest among the groups gnomAD compares: South Asian, 0.0023%; no homozygotes.

Submission:

Baylor Genetics
Classification: Uncertain significance for Al Kaissi syndrome. Last evaluated: 2018-07-29. Review status: criteria provided, single submitter. Criteria: ACMG Guidelines, 2015. Collection method: clinical testing. Allele origin: paternal. Affected: yes.
Comment: This variant was determined to be of uncertain significance according to ACMG Guidelines, 2015 [PMID:25741868].